The following is an entry in ClinVar:

NC_000019.9:g.(?_39051733)_(39078060_?)dup

Gene: RYR1 (ryanodine receptor 1; plus strand). Cytogenetic location: 19q13.2.
Variant type: Duplication.
Identifiers: ClinVar variation 3242626 (VCV003242626.1).

ClinVar aggregate classification (germline): Uncertain significance (1 of 4 stars; one submission).

Conditions:
RYR1-related disorder. Also called: RYR1-related disorders; RYR1-related condition. Identifiers: MedGen CN239331.

Submission:

Labcorp Genetics (formerly Invitae), Labcorp
Classification: Uncertain significance for RYR1-related disorder. Last evaluated: 2023-04-17. Review status: criteria provided, single submitter. Criteria: Invitae Variant Classification Sherloc (09022015). Collection method: clinical testing. Allele origin: unknown.
Comment: In summary, the available evidence is currently insufficient to determine the role of this variant in disease. Therefore, it has been classified as a Variant of Uncertain Significance. Experimental studies and prediction algorithms are not available or were not evaluated, and the functional significance of this variant is currently unknown. This variant has not been reported in the literature in individuals affected with RYR1-related conditions. This variant results in a copy number gain of the genomic region encompassing exon(s) 90-106 of the RYR1 gene. This region includes the termination codon of the gene. This copy number gain extends beyond the assayed region for this gene and therefore may encompass additional genes. As the precise location of this event is unknown, it may be in tandem or it may be located elsewhere in the genome.